The following is an entry in ClinVar:

ClinVar aggregate classification (germline): Likely pathogenic (1 of 4 stars; one submission).

Submission:

Labcorp Genetics (formerly Invitae), Labcorp
Classification: Likely pathogenic. Last evaluated: 2023-03-23. Review status: criteria provided, single submitter. Criteria: Invitae Variant Classification Sherloc (09022015). Collection method: clinical testing. Allele origin: germline.
Comment: This sequence change replaces valine, which is neutral and non-polar, with aspartic acid, which is acidic and polar, at codon 156 of the RUNX2 protein (p.Val156Asp). In summary, the currently available evidence indicates that the variant is pathogenic, but additional data are needed to prove that conclusively. Therefore, this variant has been classified as Likely Pathogenic. This variant disrupts the p.Val156 amino acid residue in RUNX2. Other variant(s) that disrupt this residue have been observed in individuals with RUNX2-related conditions (PMID: 11857736), which suggests that this may be a clinically significant amino acid residue. Advanced modeling of protein sequence and biophysical properties (such as structural, functional, and spatial information, amino acid conservation, physicochemical variation, residue mobility, and thermodynamic stability) performed at Invitae indicates that this missense variant is expected to disrupt RUNX2 protein function. ClinVar contains an entry for this variant (Variation ID: 2136400). This missense change has been observed in individuals with clinical features of cleidocranial dysplasia (PMID: 20648631; Invitae). This variant is not present in population databases (gnomAD no frequency).

Literature cited by the submitters: PubMed 11857736; PubMed 20648631.

NM_001024630.4(RUNX2):c.467T>A (p.Val156Asp)

Gene: RUNX2 (RUNX family transcription factor 2; plus strand). Cytogenetic location: 6p21.1.
Variant type: single nucleotide variant.
Coding change: c.467T>A on transcript NM_001024630.4 (MANE Select); coding-DNA position 467, T replaced by A.
Protein change: p.Val156Asp; replaces valine 156 with aspartic acid.
Molecular consequence: missense variant.
Genome position (GRCh38, 1-based): chr6:45,431,906, T>A. VCF-style: chr6-45431906-T-A. GRCh37 (hg19) VCF-style: chr6-45399643-T-A.
Other names: c.467T>A, p.Val156Asp (NM_001015051.4); c.425T>A, p.Val142Asp (NM_001278478.2, NM_001369405.1, NM_004348.3); short protein forms V142D, V156D.
Identifiers: ClinVar variation 2136400 (VCV002136400.4), dbSNP rs2548589112, ClinGen allele CA363959926.
Genomic context (GRCh38, chr6:45,431,906, plus strand): 5'-TTTCCTGTTTTATGTAGGTGGTAGCCCTCGGAGAGGTACCAGATGGGACTGTGGTTACTG[T>A]CATGGCGGGTAACGATGAAAATTATTCTGCTGAGCTCCGGAATGCCTCTGCTGTTATGAA-3'
Protein context (NP_001019801.3, residues 146-166): GEVPDGTVVT[Val156Asp]MAGNDENYSA